The following is an entry in ClinVar:

NM_001089.3(ABCA3):c.2644G>A (p.Asp882Asn)

Gene: ABCA3 (ATP binding cassette subfamily A member 3; minus strand). Cytogenetic location: 16p13.3.
Variant type: single nucleotide variant.
Coding change: c.2644G>A on transcript NM_001089.3 (MANE Select); coding-DNA position 2644, G replaced by A.
Protein change: p.Asp882Asn; replaces aspartic acid 882 with asparagine.
Molecular consequence: missense variant.
Genome position (GRCh38, 1-based): chr16:2,289,490, C>T on the plus strand (G>A on the coding strand, the complement: ABCA3 is on the minus strand). VCF-style: chr16-2289490-C-T. GRCh37 (hg19) VCF-style: chr16-2339491-C-T.
Other names: c.2644G>A (NM_001089.2); short protein forms D882N.
Identifiers: ClinVar variation 1989164 (VCV001989164.2), dbSNP rs145565697, ClinGen allele CA7840758.

ClinVar aggregate classification (germline): Uncertain significance. Review status: criteria provided, multiple submitters, no conflicts (2 of 4 stars). 2 submissions from 2 submitters: Uncertain significance (2). Last evaluated 2025-08-06.

Allele frequency attached by ClinVar (database versions not stated): gnomAD 0.00037; 1000 Genomes Project 0.00040; ExAC 0.00041; gnomAD exomes 0.00004; 1000 Genomes Project 30x 0.00031; TOPMed 0.00039; ESP Exome Variant Server 0.00077.
gnomAD v4.1: 121 of 1,593,516 alleles (0.0076%); highest among the groups gnomAD compares: African/African-American, 0.12%; 1 homozygote.

Submissions (2):

GeneDx
Classification: Uncertain significance. Last evaluated: 2025-08-06. Review status: criteria provided, single submitter. Criteria: GeneDx Variant Classification Process June 2021. Collection method: clinical testing. Allele origin: germline. Affected: yes.
Comment: In silico analysis suggests that this missense variant does not alter protein structure/function; Has not been previously published as pathogenic or benign to our knowledge

Labcorp Genetics (formerly Invitae), Labcorp
Classification: Uncertain significance. Last evaluated: 2022-08-22. Review status: criteria provided, single submitter. Criteria: Invitae Variant Classification Sherloc (09022015). Collection method: clinical testing. Allele origin: germline.
Comment: This sequence change replaces aspartic acid, which is acidic and polar, with asparagine, which is neutral and polar, at codon 882 of the ABCA3 protein (p.Asp882Asn). This variant is present in population databases (rs145565697, gnomAD 0.2%). This variant has not been reported in the literature in individuals affected with ABCA3-related conditions. Algorithms developed to predict the effect of missense changes on protein structure and function output the following: SIFT: "Tolerated"; PolyPhen-2: "Benign"; Align-GVGD: "Class C0". The asparagine amino acid residue is found in multiple mammalian species, which suggests that this missense change does not adversely affect protein function. In summary, the available evidence is currently insufficient to determine the role of this variant in disease. Therefore, it has been classified as a Variant of Uncertain Significance.